The following is an entry in ClinVar:

NM_000535.7(PMS2):c.69C>T (p.Val23=)

Gene: PMS2 (PMS1 homolog 2, mismatch repair system component; minus strand). Cytogenetic location: 7p22.1.
Variant type: single nucleotide variant.
Coding change: c.69C>T on transcript NM_000535.7 (MANE Select); coding-DNA position 69, C replaced by T.
Protein change: p.Val23=; no amino-acid change (valine 23 retained).
Molecular consequence: synonymous variant. On other transcripts: 5 prime UTR variant (38), non-coding transcript variant (1), intron variant (7).
Genome position (GRCh38, 1-based): chr7:6,005,986, G>A on the plus strand (C>T on the coding strand, the complement: PMS2 is on the minus strand). VCF-style: chr7-6005986-G-A. GRCh37 (hg19) VCF-style: chr7-6045617-G-A.
Other names: c.-337C>T (NM_001018040.1, NM_001322003.2, NM_001322005.2 and 11 more transcripts); c.69C>T, p.Val23= (NM_001322006.2, NM_001322014.2, NM_001406868.1 and 10 more transcripts); c.-147C>T (NM_001322007.2, NM_001406876.1, NM_001406883.1 and 4 more transcripts); c.-816C>T (NM_001322011.2, NM_001322012.2); c.-416C>T (NM_001322015.2, NM_001406875.1, NM_001406877.1 and 2 more transcripts); c.255C>T, p.Val85= (NM_001406866.1); c.-363C>T (NM_001406880.1); c.-284C>T (NM_001406888.1, NM_001406889.1, NM_001406892.1 and 5 more transcripts); and 7 more.
Identifiers: ClinVar variation 2835246 (VCV002835246.4), dbSNP rs2128846180, ClinGen allele CA453650324.

ClinVar aggregate classification (germline): Benign/Likely benign. Review status: criteria provided, multiple submitters, no conflicts (2 of 4 stars). 2 submissions from 2 submitters: Benign (1); Likely benign (1). Last evaluated 2025-01-23.

Conditions:
Hereditary nonpolyposis colorectal neoplasms. Identifiers: MedGen C0009405, MeSH D003123.
Lynch syndrome 4 (LYNCH4). Also called: Hereditary non-polyposis colorectal cancer, type 4; Colorectal cancer, hereditary nonpolyposis, type 4. Identifiers: Orphanet 144, MedGen C1838333, MONDO:0013699, OMIM 614337. Disease mechanism: loss of function.

Submissions (2):

Myriad Genetics, Inc.
Classification: Benign for Lynch syndrome 4. Last evaluated: 2025-01-23. Review status: criteria provided, single submitter. Criteria: Myriad Autosomal Dominant, Autosomal Recessive and X-Linked Classification Criteria (2023). Collection method: clinical testing. Allele origin: unknown.
Comment: This variant is considered benign. This variant is a silent/synonymous amino acid change and it is not expected to impact splicing.

Labcorp Genetics (formerly Invitae), Labcorp
Classification: Likely benign for Hereditary nonpolyposis colorectal neoplasms. Last evaluated: 2023-02-08. Review status: criteria provided, single submitter. Criteria: Invitae Variant Classification Sherloc (09022015). Collection method: clinical testing. Allele origin: germline.